The following is an entry in ClinVar:

NM_001349253.2(SCN11A):c.5280T>A (p.Asn1760Lys)

Gene: SCN11A (sodium voltage-gated channel alpha subunit 11; minus strand). Cytogenetic location: 3p22.2.
Variant type: single nucleotide variant.
Coding change: c.5280T>A on transcript NM_001349253.2 (MANE Select); coding-DNA position 5280, T replaced by A.
Protein change: p.Asn1760Lys; replaces asparagine 1760 with lysine.
Molecular consequence: missense variant.
Genome position (GRCh38, 1-based): chr3:38,846,790, A>T on the plus strand (T>A on the coding strand, the complement: SCN11A is on the minus strand). VCF-style: chr3-38846790-A-T. GRCh37 (hg19) VCF-style: chr3-38888281-A-T.
Other names: c.5280T>A, p.Asn1760Lys (NM_014139.3); short protein forms N1760K.
Identifiers: ClinVar variation 703369 (VCV000703369.19), dbSNP rs141241382, ClinGen allele CA2321357.
Genomic context (GRCh38, chr3:38,846,790, plus strand): 5'-GCTAGACAAGTCTCCATTGCAAAGAGTCTGGAGTGGTGAATGAGGCCCGTTTTCCAAGTC[A>T]TTTTGGTCACCTTGGTCACCCTTGGTCACCTTCATCATGTACTTTCGAAAGGCCTTTTGA-3'
Protein context (NP_001336182.1, residues 1750-1770): KVTKGDQGDQ[Asn1760Lys]DLENGPHSPL

ClinVar aggregate classification (germline): Benign/Likely benign. Review status: criteria provided, multiple submitters, no conflicts (2 of 4 stars). 5 submissions from 5 submitters: Benign (1); Likely benign (4). Last evaluated 2026-03-01.

Conditions:
SCN11A-related disorder. Also called: SCN11A-related condition.
Hereditary sensory and autonomic neuropathy type 7. Also called: Neuropathy, hereditary sensory and autonomic, type VII; HSAN VII. Identifiers: Orphanet 391397, MedGen C3809882, MONDO:0014244, OMIM 615548.
Familial episodic pain syndrome with predominantly lower limb involvement. Also called: Episodic pain syndrome, familial, 3. Identifiers: Orphanet 391384, Orphanet 391392, MedGen C3809899, MONDO:0014247, OMIM 615552.
Inborn genetic diseases. Identifiers: MedGen C0950123, MeSH D030342.

Allele frequency attached by ClinVar (database versions not stated): gnomAD exomes 0.00009 and 0.00023; ExAC 0.00028; 1000 Genomes Project 30x 0.00078; 1000 Genomes Project 0.00080; gnomAD 0.00092 and 0.00099; TOPMed 0.00105; ESP Exome Variant Server 0.00123.
gnomAD v4.1: 284 of 1,614,014 alleles (0.018%); highest among the groups gnomAD compares: African/African-American, 0.31%; 1 homozygote.

Submissions (5):

CeGaT Center for Human Genetics Tuebingen
Classification: Likely benign. Last evaluated: 2026-03-01. Review status: criteria provided, single submitter. Criteria: CeGaT Center For Human Genetics Tuebingen Variant Classification Criteria Version 2. Collection method: clinical testing. Allele origin: germline. Affected: yes. Observed: 1 variant allele.
Comment: SCN11A: BS1

PreventionGenetics, part of Exact Sciences
Classification: Likely benign for SCN11A-related condition. Last evaluated: 2025-10-22. Review status: criteria provided, single submitter. Criteria: ACMG Guidelines, 2015. Collection method: clinical testing. Allele origin: germline.
Comment: This variant is classified as likely benign based on ACMG/AMP sequence variant interpretation guidelines (Richards et al. 2015 PMID: 25741868, with internal and published modifications).

Labcorp Genetics (formerly Invitae), Labcorp
Classification: Likely benign for Familial episodic pain syndrome with predominantly lower limb involvement; Hereditary sensory and autonomic neuropathy type 7. Last evaluated: 2025-08-20. Review status: criteria provided, single submitter. Criteria: Invitae Variant Classification Sherloc (09022015). Collection method: clinical testing. Allele origin: germline.

Blueprint Genetics
Classification: Likely benign. Last evaluated: 2024-06-05. Review status: criteria provided, single submitter. Criteria: ACMG Guidelines, 2015. Collection method: clinical testing. Allele origin: germline.

Ambry Genetics
Classification: Benign for Inborn genetic diseases. Last evaluated: 2022-01-27. Review status: criteria provided, single submitter. Criteria: Ambry Variant Classification Scheme 2023. Collection method: clinical testing. Allele origin: germline.